The following is an entry in ClinVar:

ClinVar aggregate classification (germline): Likely benign. Review status: criteria provided, single submitter (1 of 4 stars). 3 submissions from 3 submitters: Likely benign (1). 2 of the submissions do not count toward it. Last evaluated 2023-08-29.

Conditions:
Polycystic kidney disease. Also called: Kidney, Polycystic; Polycystic kidney dysplasia. Identifiers: MedGen C0022680, MeSH D007690, MONDO:0020642, HP:0000113.
PKD1-related disorder. Also called: PKD1-related condition.

Allele frequency attached by ClinVar (database versions not stated): gnomAD 0.00001 and 0.00002; TOPMed 0.00001; ExAC 0.00002; gnomAD exomes 0.00003; 1000 Genomes Project 30x 0.00016; 1000 Genomes Project 0.00020.
gnomAD v4.1: 18 of 1,609,820 alleles (0.0011%); highest among the groups gnomAD compares: East Asian, 0.031%; no homozygotes.

Submissions (3):

Blueprint Genetics
Classification: Likely benign. Last evaluated: 2023-08-29. Review status: criteria provided, single submitter. Criteria: ACMG Guidelines, 2015. Collection method: clinical testing. Allele origin: germline.

PreventionGenetics, part of Exact Sciences
Classification: Likely benign for PKD1-related condition. Last evaluated: 2024-03-29. Review status: no assertion criteria provided. Collection method: clinical testing. Allele origin: germline. Not counted in ClinVar's aggregate classification.
Comment: This variant is classified as likely benign based on ACMG/AMP sequence variant interpretation guidelines (Richards et al. 2015 PMID: 25741868, with internal and published modifications).

Department of Pathology and Laboratory Medicine, Sinai Health System
Classification: Likely benign for Polycystic Kidney disease. Review status: no assertion criteria provided. Collection method: clinical testing. Allele origin: unknown. Affected: yes. Study: The Canadian Open Genetics Repository (COGR). Not counted in ClinVar's aggregate classification.
Comment: The PKD1 p.Gly3764= variant was not identified in the literature nor was it identified in the ClinVar, LOVD 3.0 or PKD1-LOVD databases. The variant was also identified in dbSNP (ID: rs553713361) as â€šÃ„ÃºNAâ€šÃ„Ã¹, and ADPKD Mutation Database (as likely neutral). The variant was identified in control databases in 6 of 235436 chromosomes at a frequency of 0.00003 (Genome Aggregation Database Feb 27, 2017). The variant was observed in the following populations: Other in 1 of 5270 chromosomes (freq: 0.0002), East Asian in 5 of 16572 chromosomes (freq: 0.0003), while the variant was not observed in the African, Latino, European Non-Finnish, Ashkenazi Jewish, Finnish, or South Asian populations. The c.11292C>A variant is not expected to have clinical significance because it does not result in a change of amino acid and is not located in a known consensus splice site. In addition, in silico or computational prediction software programs (SpliceSiteFinder, MaxEntScan, NNSPLICE, GeneSplicer) do not predict a difference in splicing. The variant occurs outside of the splicing consensus sequence and in silico or computational prediction software programs (SpliceSiteFinder, MaxEntScan, NNSPLICE, GeneSplicer) do not predict a difference in splicing. In summary, based on the above information the clinical significance of this variant cannot be determined with certainty at this time although we would lean towards a more benign role for this variant. This variant is classified as likely benign.

NM_001009944.3(PKD1):c.11292C>A (p.Gly3764=)

Genes: PKD1 (polycystin 1, transient receptor potential channel interacting; minus strand), PKD1-AS1 (PKD1 antisense RNA 1; plus strand). Cytogenetic location: 16p13.3.
Variant type: single nucleotide variant.
Coding change: c.11292C>A on transcript NM_001009944.3 (MANE Select); coding-DNA position 11292, C replaced by A.
Protein change: p.Gly3764=; no amino-acid change (glycine 3764 retained).
Molecular consequence: synonymous variant.
Genome position (GRCh38, 1-based): chr16:2,092,166, G>T on the plus strand (C>A on the coding strand, the complement: PKD1 is on the minus strand). VCF-style: chr16-2092166-G-T. GRCh37 (hg19) VCF-style: chr16-2142167-G-T.
Other names: c.11292C>A (NM_001009944.2); c.11289C>A, p.Gly3763= (NM_000296.4).
Identifiers: ClinVar variation 997351 (VCV000997351.3), dbSNP rs553713361, ClinGen allele CA7829203.